The following is an entry in ClinVar:

ClinVar aggregate classification (germline): Uncertain significance. Review status: criteria provided, multiple submitters, no conflicts (2 of 4 stars). 3 submissions from 3 submitters: Uncertain significance (3). Last evaluated 2025-04-12.

Conditions:
Inborn genetic diseases. Identifiers: MedGen C0950123, MeSH D030342.
Hyperphosphatasia with impaired intellectual development syndrome 2. Also called: Hyperphosphatasia with intellectual disability syndrome 2; GLYCOSYLPHOSPHATIDYLINOSITOL BIOSYNTHESIS DEFECT 6. Identifiers: Orphanet 247262, MedGen C3553637, MONDO:0013882, OMIM 614749.

Allele frequency attached by ClinVar (database versions not stated): gnomAD exomes 0.00003 and 0.00001; gnomAD 0.00004 and 0.00003; ESP Exome Variant Server 0.00008; ExAC 0.00001; TOPMed 0.00003.
gnomAD v4.1: 43 of 1,607,974 alleles (0.0027%); highest among the groups gnomAD compares: Non-Finnish European, 0.0035%; no homozygotes.

Submissions (3):

Ambry Genetics
Classification: Uncertain significance for Inborn genetic diseases. Last evaluated: 2025-04-12. Review status: criteria provided, single submitter. Criteria: Ambry Variant Classification Scheme 2023. Collection method: clinical testing. Allele origin: germline.

Labcorp Genetics (formerly Invitae), Labcorp
Classification: Uncertain significance for Hyperphosphatasia with impaired intellectual development syndrome 2. Last evaluated: 2022-09-27. Review status: criteria provided, single submitter. Criteria: Invitae Variant Classification Sherloc (09022015). Collection method: clinical testing. Allele origin: germline.
Comment: This sequence change replaces lysine, which is basic and polar, with arginine, which is basic and polar, at codon 192 of the PIGO protein (p.Lys192Arg). This variant is present in population databases (rs138004232, gnomAD 0.0009%). This variant has not been reported in the literature in individuals affected with PIGO-related conditions. ClinVar contains an entry for this variant (Variation ID: 951819). Advanced modeling of protein sequence and biophysical properties (such as structural, functional, and spatial information, amino acid conservation, physicochemical variation, residue mobility, and thermodynamic stability) performed at Invitae indicates that this missense variant is not expected to disrupt PIGO protein function. Algorithms developed to predict the effect of sequence changes on RNA splicing suggest that this variant may create or strengthen a splice site. In summary, the available evidence is currently insufficient to determine the role of this variant in disease. Therefore, it has been classified as a Variant of Uncertain Significance.

GeneDx
Classification: Uncertain significance. Last evaluated: 2019-07-25. Review status: criteria provided, single submitter. Criteria: GeneDx Variant Classification Process June 2021. Collection method: clinical testing. Allele origin: germline. Affected: yes.
Comment: Not observed at a significant frequency in large population cohorts (Lek et al., 2016); In silico analysis, which includes protein predictors and evolutionary conservation, supports that this variant does not alter protein structure/function. However, in silico splice predictors suggest this variant may impact gene splicing. In the absence of RNA/functional studies, the actual effect of this sequence change is unknown; Has not been previously published as pathogenic or benign to our knowledge

NM_032634.4(PIGO):c.575A>G (p.Lys192Arg)

Gene: PIGO (phosphatidylinositol glycan anchor biosynthesis class O; minus strand). Cytogenetic location: 9p13.3.
Variant type: single nucleotide variant.
Coding change: c.575A>G on transcript NM_032634.4 (MANE Select); coding-DNA position 575, A replaced by G.
Protein change: p.Lys192Arg; replaces lysine 192 with arginine.
Molecular consequence: missense variant.
Genome position (GRCh38, 1-based): chr9:35,094,296, T>C on the plus strand (A>G on the coding strand, the complement: PIGO is on the minus strand). VCF-style: chr9-35094296-T-C. GRCh37 (hg19) VCF-style: chr9-35094293-T-C.
Other names: c.575A>G, p.Lys192Arg (NM_001201484.2, NM_152850.4); short protein forms K192R.
Identifiers: ClinVar variation 951819 (VCV000951819.9), dbSNP rs138004232, ClinGen allele CA5040901.